The following is an entry in ClinVar:

NM_021009.7(UBC):c.1869C>T (p.Leu623=)

Gene: UBC (ubiquitin C; minus strand). Cytogenetic location: 12q24.31.
Variant type: single nucleotide variant.
Coding change: c.1869C>T on transcript NM_021009.7 (MANE Select); coding-DNA position 1869, C replaced by T.
Protein change: p.Leu623=; no amino-acid change (leucine 623 retained).
Molecular consequence: synonymous variant.
Genome position (GRCh38, 1-based): chr12:124,911,903, G>A on the plus strand (C>T on the coding strand, the complement: UBC is on the minus strand). VCF-style: chr12-124911903-G-A. GRCh37 (hg19) VCF-style: chr12-125396449-G-A.
Identifiers: ClinVar variation 4084230 (VCV004084230.8).

ClinVar aggregate classification (germline): Likely benign (1 of 4 stars; one submission).

gnomAD v4.1: 19 of 1,609,450 alleles (0.0012%); highest among the groups gnomAD compares: East Asian, 0.018%; no homozygotes.

Submission:

CeGaT Center for Human Genetics Tuebingen
Classification: Likely benign. Last evaluated: 2025-06-01. Review status: criteria provided, single submitter. Criteria: CeGaT Center For Human Genetics Tuebingen Variant Classification Criteria Version 2. Collection method: clinical testing. Allele origin: germline. Affected: yes. Observed: 1 variant allele.
Comment: UBC: BP4, BP7